The following is an entry in ClinVar:

NM_017547.4(FOXRED1):c.1307G>A (p.Gly436Asp)

Gene: FOXRED1 (FAD dependent oxidoreductase domain containing 1; plus strand). Cytogenetic location: 11q24.2.
Variant type: single nucleotide variant.
Coding change: c.1307G>A on transcript NM_017547.4 (MANE Select); coding-DNA position 1307, G replaced by A.
Protein change: p.Gly436Asp; replaces glycine 436 with aspartic acid.
Molecular consequence: missense variant. On other transcripts: non-coding transcript variant (2).
Genome position (GRCh38, 1-based): chr11:126,277,535, G>A. VCF-style: chr11-126277535-G-A. GRCh37 (hg19) VCF-style: chr11-126147430-G-A.
Other names: p.G436D:GGC>GAC; short protein forms G436D.
Identifiers: ClinVar variation 214453 (VCV000214453.2), dbSNP rs863224020, ClinGen allele CA322533.
Genomic context (GRCh38, chr11:126,277,535, plus strand): 5'-TTGACCAGAATGGCGTGGTGGGCCCCCACCCGCTAGTTGTCAACATGTACTTTGCTACTG[G>A]CTTCAGTGGTCACGGGCTCCAGCAGGCCCCTGGCATTGGGCGAGCTGTAGCAGAGATGGT-3'
Protein context (NP_060017.1, residues 426-446): PLVVNMYFAT[Gly436Asp]FSGHGLQQAP

ClinVar aggregate classification (germline): Likely pathogenic (1 of 4 stars; one submission).

Allele frequency attached by ClinVar (database versions not stated): TOPMed below 0.00001; gnomAD 0.00001.
gnomAD v4.1: 1 of 1,613,618 alleles (0.000062%); highest among the groups gnomAD compares: Non-Finnish European, 0.000085%; no homozygotes.

Submission:

GeneDx
Classification: Likely pathogenic. Last evaluated: 2013-04-12. Review status: criteria provided, single submitter. Criteria: GeneDx Variant Classification (06012015). Collection method: clinical testing. Allele origin: germline. Affected: yes.
Comment: p.Gly436Asp (GGC>GAC): c.1307 G>A in exon 11 of the FOXRED1 gene (NM_017547.3). The F436D missense change has not been published as a mutation, nor has it been reported as a benign polymorphism to our knowledge. G436D is a non-conservative amino acid substitution as an uncharged Glycine residue is replaced with a negatively charged Aspartic acid residue. The variant alters a highly conserved position in the FOXRED1 protein, and multiple in silico algorithms predict that G436D is damaging to the structure/function of the protein. Therefore, G436D is a strong candidate for a disease-causing mutation, however the possibility that it is a benign variant cannot be excluded. The variant is found in MITONUC-MITOP panel(s).